The following is an entry in ClinVar:

ClinVar aggregate classification (germline): Benign. Review status: criteria provided, single submitter (1 of 4 stars). 2 submissions from 2 submitters: Benign (1). 1 of the submissions does not count toward it. Last evaluated 2025-10-13.

Conditions:
KDF1-related disorder. Also called: KDF1-related condition.

Allele frequency attached by ClinVar (database versions not stated): ExAC 0.00113; gnomAD 0.00353; TOPMed 0.00369; ESP Exome Variant Server 0.00408; 1000 Genomes Project 30x 0.00500; 1000 Genomes Project 0.00539.

Submissions (2):

Labcorp Genetics (formerly Invitae), Labcorp
Classification: Benign. Last evaluated: 2025-10-13. Review status: criteria provided, single submitter. Criteria: Invitae Variant Classification Sherloc (09022015). Collection method: clinical testing. Allele origin: germline.

PreventionGenetics, part of Exact Sciences
Classification: Benign for KDF1-related condition. Last evaluated: 2020-05-06. Review status: no assertion criteria provided. Collection method: clinical testing. Allele origin: germline. Not counted in ClinVar's aggregate classification.
Comment: This variant is classified as benign based on ACMG/AMP sequence variant interpretation guidelines (Richards et al. 2015 PMID: 25741868, with internal and published modifications).

NM_152365.3(KDF1):c.200C>T (p.Pro67Leu)

Gene: KDF1 (keratinocyte differentiation factor 1; minus strand). Cytogenetic location: 1p36.11.
Variant type: single nucleotide variant.
Coding change: c.200C>T on transcript NM_152365.3 (MANE Select); coding-DNA position 200, C replaced by T.
Protein change: p.Pro67Leu; replaces proline 67 with leucine.
Molecular consequence: missense variant.
Genome position (GRCh38, 1-based): chr1:26,952,181, G>A on the plus strand (C>T on the coding strand, the complement: KDF1 is on the minus strand). VCF-style: chr1-26952181-G-A. GRCh37 (hg19) VCF-style: chr1-27278672-G-A.
Other names: c.200C>T (NM_152365.2); short protein forms P67L.
Identifiers: ClinVar variation 2067962 (VCV002067962.6), dbSNP rs140672463, ClinGen allele CA710374.
Genomic context (GRCh38, chr1:26,952,181, plus strand): 5'-CGGCACCACTCCCACACCCAGGGTCGCCAGAGCAGGCAGCAGGTGGGGGACTCAAGGGCC[G>A]GCTCAGCAGAGCCAGAGATGAAGGTAATGCTCTCTGGCCCATGGTGGCCAGGGTCCTTGG-3'
Protein context (NP_689578.2, residues 57-77): SITFISGSAE[Pro67Leu]ALESPTCCLL